The following is an entry in ClinVar:

NM_030578.4(B9D2):c.307C>T (p.Pro103Ser)

Gene: B9D2 (B9 domain containing 2; minus strand). Cytogenetic location: 19q13.2.
Variant type: single nucleotide variant.
Coding change: c.307C>T on transcript NM_030578.4 (MANE Select); coding-DNA position 307, C replaced by T.
Protein change: p.Pro103Ser; replaces proline 103 with serine.
Molecular consequence: missense variant.
Genome position (GRCh38, 1-based): chr19:41,354,921, G>A on the plus strand (C>T on the coding strand, the complement: B9D2 is on the minus strand). VCF-style: chr19-41354921-G-A. GRCh37 (hg19) VCF-style: chr19-41860826-G-A.
Other names: short protein forms P103S.
Identifiers: ClinVar variation 2059724 (VCV002059724.5), dbSNP rs1320885309, ClinGen allele CA406008791.

ClinVar aggregate classification (germline): Uncertain significance. Review status: criteria provided, multiple submitters, no conflicts (2 of 4 stars). 2 submissions from 2 submitters: Uncertain significance (2). Last evaluated 2024-09-30.

Conditions:
Joubert syndrome. Also called: CEREBELLOPARENCHYMAL DISORDER IV; JOUBERT-BOLTSHAUSER SYNDROME; Familial aplasia of the vermis. Identifiers: Orphanet 475, MedGen C5979921, MONDO:0018772.
Meckel-Gruber syndrome. Also called: DYSENCEPHALIA SPLANCHNOCYSTICA; GRUBER SYNDROME; Dysencephalia splachnocystica. Identifiers: Orphanet 564, MedGen C0265215, MONDO:0018921.
Meckel syndrome, type 10 (MKS10). Identifiers: Orphanet 564, MedGen C3280036, MONDO:0013609, OMIM 614175.

Allele frequency attached by ClinVar (database versions not stated): gnomAD exomes below 0.00001; TOPMed below 0.00001; gnomAD 0.00001.

Submissions (2):

Institute of Human Genetics, University of Leipzig Medical Center
Classification: Uncertain significance for Meckel syndrome, type 10. Last evaluated: 2024-09-30. Review status: criteria provided, single submitter. Criteria: ACMG Guidelines, 2015. Collection method: clinical testing. Allele origin: unknown. Inheritance: Autosomal recessive inheritance. Affected: yes.
Comment: Criteria applied: PM2,PM3_SUP,PP3

Labcorp Genetics (formerly Invitae), Labcorp
Classification: Uncertain significance for Joubert syndrome; Meckel-Gruber syndrome. Last evaluated: 2024-04-29. Review status: criteria provided, single submitter. Criteria: Invitae Variant Classification Sherloc (09022015). Collection method: clinical testing. Allele origin: germline.
Comment: This sequence change replaces proline, which is neutral and non-polar, with serine, which is neutral and polar, at codon 103 of the B9D2 protein (p.Pro103Ser). This variant is not present in population databases (gnomAD no frequency). This variant has not been reported in the literature in individuals affected with B9D2-related conditions. ClinVar contains an entry for this variant (Variation ID: 2059724). An algorithm developed to predict the effect of missense changes on protein structure and function (PolyPhen-2) suggests that this variant¬¨‚Ä†is likely to be tolerated. In summary, the available evidence is currently insufficient to determine the role of this variant in disease. Therefore, it has been classified as a Variant of Uncertain Significance.